The following is an entry in ClinVar:

NM_000531.6(OTC):c.867G>T (p.Lys289Asn)

Gene: OTC (ornithine transcarbamylase; plus strand). Cytogenetic location: Xp11.4.
Variant type: single nucleotide variant.
Coding change: c.867G>T on transcript NM_000531.6 (MANE Select); coding-DNA position 867, G replaced by T.
Protein change: p.Lys289Asn; replaces lysine 289 with asparagine.
Molecular consequence: missense variant.
Genome position (GRCh38, 1-based): chrX:38,409,025, G>T. VCF-style: chrX-38409025-G-T. GRCh37 (hg19) VCF-style: chrX-38268278-G-T.
Other names: short protein forms K289N.
Identifiers: ClinVar variation 97344 (VCV000097344.2), dbSNP rs72558456, ClinGen allele CA224815.

ClinVar aggregate classification (germline): Pathogenic (0 of 4 stars; one submission).

Submission:

GenMed Metabolism Lab
Classification: Pathogenic. Review status: no assertion criteria provided. Collection method: not provided. Allele origin: unknown.
Comment: p.Lys289Asn, Neonatal, Possible donor splice site error
ClinVar note: Converted during submission from pathogenic to Pathogenic.